The following is an entry in ClinVar:

ClinVar aggregate classification (germline): Uncertain significance (1 of 4 stars; one submission).

Conditions:
Inborn genetic diseases. Identifiers: MedGen C0950123, MeSH D030342.

Submission:

Ambry Genetics
Classification: Uncertain significance for Inborn genetic diseases. Last evaluated: 2026-03-17. Review status: criteria provided, single submitter. Criteria: Ambry Variant Classification Scheme 2023. Collection method: clinical testing. Allele origin: germline.
Comment: The p.R899G variant (also known as c.2695C>G), located in coding exon 18 of the PIK3CA gene, results from a C to G substitution at nucleotide position 2695. The arginine at codon 899 is replaced by glycine, an amino acid with dissimilar properties. This amino acid position is conserved. In addition, this alteration is predicted to be deleterious by in silico analysis. Based on the available evidence, the clinical significance of this variant remains unclear.

NM_006218.4(PIK3CA):c.2695C>G (p.Arg899Gly)

Gene: PIK3CA (phosphatidylinositol-4,5-bisphosphate 3-kinase catalytic subunit alpha; plus strand). Cytogenetic location: 3q26.32.
Variant type: single nucleotide variant.
Coding change: c.2695C>G on transcript NM_006218.4 (MANE Select); coding-DNA position 2695, C replaced by G.
Protein change: p.Arg899Gly; replaces arginine 899 with glycine.
Molecular consequence: missense variant.
Genome position (GRCh38, 1-based): chr3:179,230,032, C>G. VCF-style: chr3-179230032-C-G. GRCh37 (hg19) VCF-style: chr3-178947820-C-G.
Other names: short protein forms R899G.
Identifiers: ClinVar variation 4861859 (VCV004861859.1).